The following is an entry in ClinVar:

NM_018136.5(ASPM):c.3547T>A (p.Ser1183Thr)

Gene: ASPM (assembly factor for spindle microtubules; minus strand). Cytogenetic location: 1q31.3.
Variant type: single nucleotide variant.
Coding change: c.3547T>A on transcript NM_018136.5 (MANE Select); coding-DNA position 3547, T replaced by A.
Protein change: p.Ser1183Thr; replaces serine 1183 with threonine.
Molecular consequence: missense variant.
Genome position (GRCh38, 1-based): chr1:197,122,439, A>T on the plus strand (T>A on the coding strand, the complement: ASPM is on the minus strand). VCF-style: chr1-197122439-A-T. GRCh37 (hg19) VCF-style: chr1-197091569-A-T.
Other names: c.3547T>A, p.Ser1183Thr (NM_001206846.2); short protein forms S1183T.
Identifiers: ClinVar variation 426603 (VCV000426603.3), dbSNP rs1085307705, ClinGen allele CA344040199.

ClinVar aggregate classification (germline): Likely benign (1 of 4 stars; one submission).

gnomAD v4.1: 3 of 1,613,908 alleles (0.00019%); highest among the groups gnomAD compares: South Asian, 0.0033%; no homozygotes.

Submission:

GeneDx
Classification: Likely benign. Last evaluated: 2020-06-09. Review status: criteria provided, single submitter. Criteria: GeneDx Variant Classification Process June 2021. Collection method: clinical testing. Allele origin: germline. Affected: yes.
Comment: Missense variant in a gene in which most reported pathogenic variants are truncating/loss-of-function; In silico analysis supports that this missense variant does not alter protein structure/function